The following is an entry in ClinVar:

NM_015512.5(DNAH1):c.11683A>G (p.Met3895Val)

Gene: DNAH1 (dynein axonemal heavy chain 1; plus strand). Cytogenetic location: 3p21.1.
Variant type: single nucleotide variant.
Coding change: c.11683A>G on transcript NM_015512.5 (MANE Select); coding-DNA position 11683, A replaced by G.
Protein change: p.Met3895Val; replaces methionine 3895 with valine.
Molecular consequence: missense variant.
Genome position (GRCh38, 1-based): chr3:52,396,940, A>G. VCF-style: chr3-52396940-A-G. GRCh37 (hg19) VCF-style: chr3-52430956-A-G.
Other names: short protein forms M3895V.
Identifiers: ClinVar variation 645643 (VCV000645643.8), dbSNP rs376301831, ClinGen allele CA2436257.

ClinVar aggregate classification (germline): Uncertain significance. Review status: criteria provided, multiple submitters, no conflicts (2 of 4 stars). 4 submissions from 4 submitters: Uncertain significance (4). Last evaluated 2025-02-13.

Conditions:
Spermatogenic failure 18. Identifiers: MedGen C4539783, MONDO:0054615, OMIM 617576.
Ciliary dyskinesia, primary, 37 (CILD37). Also called: CILIARY DYSKINESIA, PRIMARY, 37, WITH OR WITHOUT SITUS INVERSUS. Identifiers: MedGen C4539798, MONDO:0033204, OMIM 617577.

Allele frequency attached by ClinVar (database versions not stated): ExAC 0.00017; gnomAD 0.00018 and 0.00059; gnomAD exomes 0.00019 and 0.00023; ESP Exome Variant Server 0.00024; TOPMed 0.00079.
gnomAD v4.1: 417 of 1,613,300 alleles (0.026%); highest among the groups gnomAD compares: Non-Finnish European, 0.028%; 3 homozygotes.

Submissions (4):

Ambry Genetics
Classification: Uncertain significance. Last evaluated: 2025-02-13. Review status: criteria provided, single submitter. Criteria: Ambry Variant Classification Scheme 2023. Collection method: clinical testing. Allele origin: germline.

Fulgent Genetics
Classification: Uncertain significance for Spermatogenic failure 18; Ciliary dyskinesia, primary, 37. Last evaluated: 2024-04-01. Review status: criteria provided, single submitter. Criteria: ACMG Guidelines, 2015. Collection method: clinical testing. Allele origin: germline.

Labcorp Genetics (formerly Invitae), Labcorp
Classification: Uncertain significance for Ciliary dyskinesia, primary, 37; Spermatogenic failure 18. Last evaluated: 2022-10-26. Review status: criteria provided, single submitter. Criteria: Invitae Variant Classification Sherloc (09022015). Collection method: clinical testing. Allele origin: germline.
Comment: This sequence change replaces methionine, which is neutral and non-polar, with valine, which is neutral and non-polar, at codon 3895 of the DNAH1 protein (p.Met3895Val). This variant is present in population databases (rs376301831, gnomAD 0.03%). This variant has not been reported in the literature in individuals affected with DNAH1-related conditions. ClinVar contains an entry for this variant (Variation ID: 645643). Advanced modeling of protein sequence and biophysical properties (such as structural, functional, and spatial information, amino acid conservation, physicochemical variation, residue mobility, and thermodynamic stability) performed at Invitae indicates that this missense variant is not expected to disrupt DNAH1 protein function. In summary, the available evidence is currently insufficient to determine the role of this variant in disease. Therefore, it has been classified as a Variant of Uncertain Significance.

ARUP Laboratories, Molecular Genetics and Genomics, ARUP Laboratories
Classification: Uncertain significance. Last evaluated: 2022-08-16. Review status: criteria provided, single submitter. Criteria: ARUP Molecular Germline Variant Investigation Process 2021. Collection method: clinical testing. Allele origin: germline.
Comment: The DNAH1 c.11683A>G; p.Met3895Val variant (rs376301831), to our knowledge, is not reported in the medical literature but is reported in ClinVar (Variation ID: 645643). This variant is found in the non-Finnish European population with an allele frequency of 0.035% (45/128070 alleles) in the Genome Aggregation Database. The methionine at codon 3895 is moderately conserved, but computational analyses predict that this variant is neutral (REVEL: 0.142). Due to limited information, the clinical significance of the DNAH1 variant is uncertain at this time.